The following is an entry in ClinVar:

ClinVar aggregate classification (germline): Pathogenic (1 of 4 stars; one submission).

Conditions:
Joubert syndrome. Also called: CEREBELLOPARENCHYMAL DISORDER IV; JOUBERT-BOLTSHAUSER SYNDROME; Familial aplasia of the vermis. Identifiers: Orphanet 475, MedGen C5979921, MONDO:0018772.

Submission:

Labcorp Genetics (formerly Invitae), Labcorp
Classification: Pathogenic for Joubert syndrome. Last evaluated: 2023-11-08. Review status: criteria provided, single submitter. Criteria: Invitae Variant Classification Sherloc (09022015). Collection method: clinical testing. Allele origin: germline.
Comment: This sequence change creates a premature translational stop signal (p.Asp353*) in the AHI1 gene. It is expected to result in an absent or disrupted protein product. Loss-of-function variants in AHI1 are known to be pathogenic (PMID: 15322546, 16453322, 28442542, 29186038). This variant is not present in population databases (gnomAD no frequency). This variant has not been reported in the literature in individuals affected with AHI1-related conditions. For these reasons, this variant has been classified as Pathogenic.

Literature cited by the submitters: PubMed 15322546; PubMed 16453322; PubMed 28442542; PubMed 29186038.

NM_001134831.2(AHI1):c.1057_1064del (p.Thr352_Asp353insTer)

Gene: AHI1 (Abelson helper integration site 1; minus strand). Cytogenetic location: 6q23.3.
Variant type: Deletion.
Coding change: c.1057_1064del on transcript NM_001134831.2 (MANE Select); coding-DNA positions 1057 to 1064, 8 bases deleted (GATAGACT; older notation c.1057_1064delGATAGACT).
Protein change: p.Thr352_Asp353insTer.
Molecular consequence: nonsense.
Genome position (GRCh38, 1-based): chr6:135,457,581-135,457,588, AGTCTATC deleted on the plus strand (GATAGACT on the coding strand, the reverse complement: AHI1 is on the minus strand); deleting any 8 consecutive bases within chr6:135,457,581-135,457,591 gives the same sequence; the c. name uses the placement nearest the transcript's 3' end. VCF-style (leftmost placement, unchanged base first): chr6-135457580-AAGTCTATC-A. GRCh37 (hg19) VCF-style: chr6-135778718-AAGTCTATC-A.
Other names: c.1057_1064del, p.Thr352_Asp353insTer (NM_001134830.2, NM_001134832.2, NM_001350503.2 and 2 more transcripts).
Identifiers: ClinVar variation 2853240 (VCV002853240.3), dbSNP rs2484905892, ClinGen allele CA2739266200.